The following is an entry in ClinVar:

ClinVar aggregate classification (germline): Likely benign (1 of 4 stars; one submission).

gnomAD v4.1: 1 of 1,209,377 alleles (0.000083%); highest among the groups gnomAD compares: African/African-American, 0.0017%; no homozygotes.

Submission:

CeGaT Center for Human Genetics Tuebingen
Classification: Likely benign. Last evaluated: 2025-08-01. Review status: criteria provided, single submitter. Criteria: CeGaT Center For Human Genetics Tuebingen Variant Classification Criteria Version 2. Collection method: clinical testing. Allele origin: germline. Affected: yes. Observed: 1 variant allele.
Comment: GPC3: BP4, BP7

NM_004484.4(GPC3):c.570A>G (p.Ser190=)

Gene: GPC3 (glypican 3; minus strand). Cytogenetic location: Xq26.2.
Variant type: single nucleotide variant.
Coding change: c.570A>G on transcript NM_004484.4 (MANE Select); coding-DNA position 570, A replaced by G.
Protein change: p.Ser190=; no amino-acid change (serine 190 retained).
Molecular consequence: synonymous variant.
Genome position (GRCh38, 1-based): chrX:133,753,944, T>C on the plus strand (A>G on the coding strand, the complement: GPC3 is on the minus strand). VCF-style: chrX-133753944-T-C. GRCh37 (hg19) VCF-style: chrX-132887971-T-C.
Other names: c.570A>G, p.Ser190= (NM_001164617.2); c.522A>G, p.Ser174= (NM_001164618.2); c.408A>G, p.Ser136= (NM_001164619.2).
Identifiers: ClinVar variation 4084763 (VCV004084763.8).